The following is an entry in ClinVar:

NM_030948.6(PHACTR1):c.964A>G (p.Met322Val)

Gene: PHACTR1 (phosphatase and actin regulator 1; plus strand). Cytogenetic location: 6p24.1.
Variant type: single nucleotide variant.
Coding change: c.964A>G on transcript NM_030948.6 (MANE Select); coding-DNA position 964, A replaced by G.
Protein change: p.Met322Val; replaces methionine 322 with valine.
Molecular consequence: missense variant.
Genome position (GRCh38, 1-based): chr6:13,206,114, A>G. VCF-style: chr6-13206114-A-G. GRCh37 (hg19) VCF-style: chr6-13206346-A-G.
Other names: c.964A>G, p.Met322Val (NM_001242648.4, NM_001322308.3, NM_001322309.3 and 1 more transcripts); c.1171A>G, p.Met391Val (NM_001322310.2, NM_001374582.1); c.688A>G, p.Met230Val (NM_001322311.2, NM_001322312.3, NM_001374583.2); c.895A>G, p.Met299Val (NM_001322313.2); c.1174A>G, p.Met392Val (NM_001322314.4); short protein forms M392V, M230V, M322V, M391V, M299V.
Identifiers: ClinVar variation 2538117 (VCV002538117.5), dbSNP rs2548114527, ClinGen allele CA362859236.

ClinVar aggregate classification (germline): Uncertain significance. Review status: criteria provided, multiple submitters, no conflicts (2 of 4 stars). 2 submissions from 2 submitters: Uncertain significance (2). Last evaluated 2023-06-02.

Conditions:
Developmental and epileptic encephalopathy, 70. Also called: EPILEPTIC ENCEPHALOPATHY, EARLY INFANTILE, 70. Identifiers: MedGen C4749023, MONDO:0032663, OMIM 618298.

Allele frequency attached by ClinVar (database versions not stated): gnomAD exomes below 0.00001.
gnomAD v4.1: 1 of 1,605,200 alleles (0.000062%); highest among the groups gnomAD compares: Non-Finnish European, 0.000085%; no homozygotes.

Submissions (2):

Neuberg Centre For Genomic Medicine, NCGM
Classification: Uncertain significance for Developmental and epileptic encephalopathy, 70. Last evaluated: 2023-06-02. Review status: criteria provided, single submitter. Criteria: ACMG Guidelines, 2015. Collection method: clinical testing. Allele origin: germline. Inheritance: Autosomal dominant inheritance. Affected: yes.
Comment: The missense variant c.964A>G(p.Met322Val) in PHACTR1 gene has not been reported previously as a pathogenic variant nor as a benign variant, to our knowledge. The c.964A>G(p.Met322Val) variant is absent in gnomAD Exomes. The amino acid Met at position 322 is changed to a Val changing protein sequence and it might alter its composition and physico-chemical properties. The reference amino acid p.Met322Val in PHACTR1 is predicted as conserved by GERP++ and PhyloP across 100 vertebrates. Computational evidence (Polyphen-Benign, SIFT-Tolerated and Mutation Taster-Disease causing/ Polymorphism) predicts conflicting evidence on protein structure and function for this variant. For these reasons, this variant has been classified as Uncertain Significance.

Ambry Genetics
Classification: Uncertain significance. Last evaluated: 2023-04-18. Review status: criteria provided, single submitter. Criteria: Ambry Variant Classification Scheme 2023. Collection method: clinical testing. Allele origin: germline.